The following is an entry in ClinVar:

NM_001267550.2(TTN):c.14224G>T (p.Glu4742Ter)

Gene: TTN (titin; minus strand). Cytogenetic location: 2q31.2.
Variant type: single nucleotide variant.
Coding change: c.14224G>T on transcript NM_001267550.2 (MANE Select); coding-DNA position 14224, G replaced by T.
Protein change: p.Glu4742Ter; replaces glutamic acid 4742 with a stop codon.
Molecular consequence: nonsense.
Genome position (GRCh38, 1-based): chr2:178,738,229, C>A on the plus strand (G>T on the coding strand, the complement: TTN is on the minus strand). VCF-style: chr2-178738229-C-A. GRCh37 (hg19) VCF-style: chr2-179602956-C-A.
Other names: c.13273G>T, p.Glu4425Ter (NM_001256850.1); c.13135G>T, p.Glu4379Ter (NM_003319.4); c.10492G>T, p.Glu3498Ter (NM_133378.4); c.13510G>T, p.Glu4504Ter (NM_133432.3); c.13711G>T, p.Glu4571Ter (NM_133437.4); short protein forms E3498*, E4379*, E4425*, E4504*, E4571*, E4742*.
Identifiers: ClinVar variation 4854256 (VCV004854256.1).
Genomic context (GRCh38, chr2:178,738,229, plus strand): 5'-TTCTCAGGATTTCAAGGCTGGAGATATACTTTGAAGATCGAATAGAACACTTGTCACTCT[C>A]ATAAATTTCTCGGCCAGCTTTAAACCACTGGAACCGGACATTGGGAGCACTTTGGATCTC-3'

ClinVar aggregate classification (germline): Uncertain significance (1 of 4 stars; one submission).

Conditions:
Hypertrophic cardiomyopathy 9. Also called: Familial hypertrophic cardiomyopathy 9. Identifiers: MedGen C1861065, MONDO:0013412, OMIM 613765.

Submission:

3billion
Classification: Uncertain significance for Hypertrophic cardiomyopathy 9. Last evaluated: 2026-01-13. Review status: criteria provided, single submitter. Criteria: ACMG Guidelines, 2015. Collection method: clinical testing. Allele origin: germline. Affected: yes.
Comment: The variant is not observed in the gnomAD v4.1.0 dataset. Predicted Consequence/Location: Stop-gained (nonsense): predicted to result in a loss or disruption of normal protein function through nonsense-mediated decay (NMD) or protein truncation. Multiple pathogenic variants are reported downstream of the variant.However, this variant is located within the I-band of the TTN gene, whereas the majority of TTN loss-of-function variants associated with cardiomyopathy are located in A-band. Therefore, it remains uncertain whether this loss-of-function variant would be disease-causing at this time. Therefore, this variant is classified as VUS according to the recommendation of ACMG/AMP guideline.